The following is an entry in ClinVar:

NM_020338.4(ZMIZ1):c.3198C>A (p.Asn1066Lys)

Gene: ZMIZ1 (zinc finger MIZ-type containing 1; plus strand). Cytogenetic location: 10q22.3.
Variant type: single nucleotide variant.
Coding change: c.3198C>A on transcript NM_020338.4 (MANE Select); coding-DNA position 3198, C replaced by A.
Protein change: p.Asn1066Lys; replaces asparagine 1066 with lysine.
Molecular consequence: missense variant.
Genome position (GRCh38, 1-based): chr10:79,312,743, C>A. VCF-style: chr10-79312743-C-A. GRCh37 (hg19) VCF-style: chr10-81072500-C-A.
Other names: short protein forms N1066K.
Identifiers: ClinVar variation 3363415 (VCV003363415.1).

ClinVar aggregate classification (germline): Uncertain significance (1 of 4 stars; one submission).

Submission:

GeneDx
Classification: Uncertain significance. Last evaluated: 2023-10-23. Review status: criteria provided, single submitter. Criteria: GeneDx Variant Classification Process June 2021. Collection method: clinical testing. Allele origin: germline. Affected: yes.
Comment: Not observed at significant frequency in large population cohorts (gnomAD); In silico analysis supports that this missense variant has a deleterious effect on protein structure/function; Has not been previously published as pathogenic or benign to our knowledge